The following is an entry in ClinVar:

NM_000059.4(BRCA2):c.9024T>G (p.Ile3008Met)

Gene: BRCA2 (BRCA2 DNA repair associated; plus strand). Cytogenetic location: 13q13.1.
Variant type: single nucleotide variant.
Coding change: c.9024T>G on transcript NM_000059.4 (MANE Select); coding-DNA position 9024, T replaced by G.
Protein change: p.Ile3008Met; replaces isoleucine 3008 with methionine.
Molecular consequence: missense variant. On other transcripts: non-coding transcript variant (1).
Genome position (GRCh38, 1-based): chr13:32,379,820, T>G. VCF-style: chr13-32379820-T-G. GRCh37 (hg19) VCF-style: chr13-32953957-T-G.
Other names: c.8928T>G, p.Ile2976Met (NM_001406719.1); c.8973T>G, p.Ile2991Met (NM_001406720.1); c.4092T>G, p.Ile1364Met (NM_001406721.1); c.2607T>G, p.Ile869Met (NM_001406722.1); short protein forms I2976M, I3008M, I869M, I1364M, I2991M.
Identifiers: ClinVar variation 2749948 (VCV002749948.4), dbSNP rs2137622784, ClinGen allele CA387757489.

ClinVar aggregate classification (germline): Uncertain significance. Review status: criteria provided, multiple submitters, no conflicts (2 of 4 stars). 2 submissions from 2 submitters: Uncertain significance (2). Last evaluated 2026-05-22.

Conditions:
Hereditary cancer-predisposing syndrome. Also called: Tumor predisposition; Hereditary neoplastic syndrome; Neoplastic Syndromes, Hereditary; Hereditary Cancer Syndrome. Identifiers: Orphanet 140162, MedGen C0027672, MeSH D009386, MONDO:0015356.
Hereditary breast ovarian cancer syndrome. Also called: BRCA1- and BRCA2-Associated Hereditary Breast and Ovarian Cancer; Hereditary breast and ovarian cancer syndrome; Breast and ovarian cancer; Hereditary breast and/or ovarian cancer syndrome; Hereditary breast and ovarian cancer syndrome (HBOC); Hereditary breast and ovarian cancer. Identifiers: Orphanet 145, MedGen C0677776, MeSH D061325, MONDO:0003582. Disease mechanism: loss of function.

Submissions (2):

Ambry Genetics
Classification: Uncertain significance for Hereditary cancer-predisposing syndrome. Last evaluated: 2026-05-22. Review status: criteria provided, single submitter. Criteria: Ambry Variant Classification Scheme 2023. Collection method: clinical testing. Allele origin: germline.
Comment: The p.I3008M variant (also known as c.9024T>G), located in coding exon 22 of the BRCA2 gene, results from a T to G substitution at nucleotide position 9024. The isoleucine at codon 3008 is replaced by methionine, an amino acid with highly similar properties. The results from two saturation genome editing-based studies, including a haploid cell-survival assay and a humanized mouse embryonic stem cell line assay of drug response and survival, are discordant for this nucleotide substitution (Huang H et al. Nature. 2025 Feb;638(8050):528-537; Sahu S et al. Nature. 2025 Feb;638(8050):538-545). This amino acid position is well conserved in available vertebrate species. In addition, the in silico prediction for this alteration is inconclusive. Based on the available evidence, the clinical significance of this variant remains unclear.

Labcorp Genetics (formerly Invitae), Labcorp
Classification: Uncertain significance for Hereditary breast ovarian cancer syndrome. Last evaluated: 2023-08-04. Review status: criteria provided, single submitter. Criteria: Invitae Variant Classification Sherloc (09022015). Collection method: clinical testing. Allele origin: germline.
Comment: In summary, the available evidence is currently insufficient to determine the role of this variant in disease. Therefore, it has been classified as a Variant of Uncertain Significance. Advanced modeling of protein sequence and biophysical properties (such as structural, functional, and spatial information, amino acid conservation, physicochemical variation, residue mobility, and thermodynamic stability) performed at Invitae indicates that this missense variant is not expected to disrupt BRCA2 protein function. This variant has not been reported in the literature in individuals affected with BRCA2-related conditions. This variant is not present in population databases (gnomAD no frequency). This sequence change replaces isoleucine, which is neutral and non-polar, with methionine, which is neutral and non-polar, at codon 3008 of the BRCA2 protein (p.Ile3008Met).

Literature cited by the submitters: PubMed 39779848 (cited by Ambry Genetics); PubMed 39779857 (cited by Ambry Genetics).